The following is an entry in ClinVar:

ClinVar aggregate classification (germline): Uncertain significance. Review status: criteria provided, multiple submitters, no conflicts (2 of 4 stars). 2 submissions from 2 submitters: Uncertain significance (2). Last evaluated 2025-08-10.

Allele frequency attached by ClinVar (database versions not stated): gnomAD 0.00001; gnomAD exomes 0.00001; TOPMed 0.00001; ExAC 0.00003.
gnomAD v4.1: 17 of 1,613,048 alleles (0.0011%); highest among the groups gnomAD compares: Non-Finnish European, 0.00025%; no homozygotes.

Submissions (2):

Ambry Genetics
Classification: Uncertain significance. Last evaluated: 2025-08-10. Review status: criteria provided, single submitter. Criteria: Ambry Variant Classification Scheme 2023. Collection method: clinical testing. Allele origin: germline.

GeneDx
Classification: Uncertain significance. Last evaluated: 2024-11-19. Review status: criteria provided, single submitter. Criteria: GeneDx Variant Classification Process June 2021. Collection method: clinical testing. Allele origin: germline. Affected: yes.
Comment: In silico analysis supports that this missense variant has a deleterious effect on protein structure/function; Has not been previously published as pathogenic or benign to our knowledge

NM_006366.3(CAP2):c.608A>G (p.His203Arg)

Gene: CAP2 (cyclase associated actin cytoskeleton regulatory protein 2; plus strand). Cytogenetic location: 6p22.3.
Variant type: single nucleotide variant.
Coding change: c.608A>G on transcript NM_006366.3 (MANE Select); coding-DNA position 608, A replaced by G.
Protein change: p.His203Arg; replaces histidine 203 with arginine.
Molecular consequence: missense variant. On other transcripts: intron variant (1).
Genome position (GRCh38, 1-based): chr6:17,513,926, A>G. VCF-style: chr6-17513926-A-G. GRCh37 (hg19) VCF-style: chr6-17514157-A-G.
Other names: c.530A>G, p.His177Arg (NM_001363534.2); c.301-25343A>G (NM_001363533.2); short protein forms H177R, H203R.
Identifiers: ClinVar variation 2443482 (VCV002443482.4), dbSNP rs780599061, ClinGen allele CA3646295.